The following is an entry in ClinVar:

ClinVar aggregate classification (germline): Pathogenic (1 of 4 stars; one submission).

Conditions:
Congenital hyperammonemia, type I. Also called: Carbamoyl-phosphate synthase I deficiency; CPS I DEFICIENCY; Carbamoyl phosphate synthetase I deficiency disease; Carbamoyl phosphate synthetase 1 deficiency; Hyperammonemia due to carbamoyl phosphate synthetase 1 deficiency; CPS 1 deficiency. Identifiers: Orphanet 147, MedGen C4082171, MONDO:0009376, OMIM 237300.

Submission:

Labcorp Genetics (formerly Invitae), Labcorp
Classification: Pathogenic for Congenital hyperammonemia, type I. Last evaluated: 2024-10-16. Review status: criteria provided, single submitter. Criteria: Invitae Variant Classification Sherloc (09022015). Collection method: clinical testing. Allele origin: germline.
Comment: This sequence change creates a premature translational stop signal (p.Tyr1044*) in the CPS1 gene. It is expected to result in an absent or disrupted protein product. Loss-of-function variants in CPS1 are known to be pathogenic (PMID: 21120950). This variant is not present in population databases (gnomAD no frequency). This variant has not been reported in the literature in individuals affected with CPS1-related conditions. ClinVar contains an entry for this variant (Variation ID: 2132205). For these reasons, this variant has been classified as Pathogenic.

Literature cited by the submitters: PubMed 21120950.

NM_001875.5(CPS1):c.3132C>G (p.Tyr1044Ter)

Gene: CPS1 (carbamoyl-phosphate synthase 1; plus strand). Cytogenetic location: 2q34.
Variant type: single nucleotide variant.
Coding change: c.3132C>G on transcript NM_001875.5 (MANE Select); coding-DNA position 3132, C replaced by G.
Protein change: p.Tyr1044Ter; replaces tyrosine 1044 with a stop codon.
Molecular consequence: nonsense. On other transcripts: non-coding transcript variant (2).
Genome position (GRCh38, 1-based): chr2:210,642,656, C>G. VCF-style: chr2-210642656-C-G. GRCh37 (hg19) VCF-style: chr2-211507380-C-G.
Other names: c.3132C>G, p.Tyr1044Ter (NM_001122633.3, NM_001369257.1); c.3165C>G, p.Tyr1055Ter (NM_001369256.1); short protein forms Y1044*, Y1055*.
Identifiers: ClinVar variation 2132205 (VCV002132205.4), dbSNP rs1700264768, ClinGen allele CA350434471.